The following is an entry in ClinVar:

NM_001267550.2(TTN):c.106301A>G (p.Asp35434Gly)

Genes: TTN (titin; minus strand), TTN-AS1 (TTN antisense RNA 1; plus strand). Cytogenetic location: 2q31.2.
Variant type: single nucleotide variant.
Coding change: c.106301A>G on transcript NM_001267550.2 (MANE Select); coding-DNA position 106301, A replaced by G.
Protein change: p.Asp35434Gly; replaces aspartic acid 35434 with glycine.
Molecular consequence: missense variant.
Genome position (GRCh38, 1-based): chr2:178,530,314, T>C on the plus strand (A>G on the coding strand, the complement: TTN is on the minus strand). VCF-style: chr2-178530314-T-C. GRCh37 (hg19) VCF-style: chr2-179395041-T-C.
Other names: c.101378A>G, p.Asp33793Gly (NM_001256850.1); c.79106A>G, p.Asp26369Gly (NM_003319.4); c.98597A>G, p.Asp32866Gly (NM_133378.4); c.79481A>G, p.Asp26494Gly (NM_133432.3); c.79682A>G, p.Asp26561Gly (NM_133437.4); short protein forms D26369G, D26494G, D26561G, D32866G, D33793G, D35434G.
Identifiers: ClinVar variation 3771735 (VCV003771735.13).
Genomic context (GRCh38, chr2:178,530,314, plus strand): 5'-GTCCAGATGGCAGTTGGCCGGGGTTCTCCAGTAGCCTTAACTGCAAATTTAGCAACACTG[T>C]CTGAAGAAACAGTTGTATCCTGCAACCCAGTAACAATTACTGGTTTTGAGGAAATTGGTT-3'
Protein context (NP_001254479.2, residues 35424-35444): TGLQDTTVSS[Asp35434Gly]SVAKFAVKAT

ClinVar aggregate classification (germline): Uncertain significance (1 of 4 stars; one submission).

Submission:

CeGaT Center for Human Genetics Tuebingen
Classification: Uncertain significance. Last evaluated: 2024-12-01. Review status: criteria provided, single submitter. Criteria: CeGaT Center For Human Genetics Tuebingen Variant Classification Criteria Version 2. Collection method: clinical testing. Allele origin: germline. Affected: yes. Observed: 1 variant allele.
Comment: TTN: PM2, BP4